The following is an entry in ClinVar:

ClinVar aggregate classification (germline): Uncertain significance (1 of 4 stars; one submission).

Conditions:
Early-infantile DEE. Also called: Early infantile epileptic encephalopathy; Ohtahara syndrome; Early infantile epileptic encephalopathy with suppression bursts. Identifiers: Orphanet 1934, MedGen C0393706, MONDO:0800491.

Submission:

Labcorp Genetics (formerly Invitae), Labcorp
Classification: Uncertain significance for Early-infantile DEE. Last evaluated: 2022-04-13. Review status: criteria provided, single submitter. Criteria: Invitae Variant Classification Sherloc (09022015). Collection method: clinical testing. Allele origin: germline.
Comment: This sequence change replaces proline, which is neutral and non-polar, with histidine, which is basic and polar, at codon 657 of the ARHGEF15 protein (p.Pro657His). This variant is not present in population databases (gnomAD no frequency). This variant has not been reported in the literature in individuals affected with ARHGEF15-related conditions. Algorithms developed to predict the effect of missense changes on protein structure and function (SIFT, PolyPhen-2, Align-GVGD) all suggest that this variant is likely to be disruptive. In summary, the available evidence is currently insufficient to determine the role of this variant in disease. Therefore, it has been classified as a Variant of Uncertain Significance.

NM_173728.4(ARHGEF15):c.1970C>A (p.Pro657His)

Gene: ARHGEF15 (Rho guanine nucleotide exchange factor 15; plus strand). Cytogenetic location: 17p13.1.
Variant type: single nucleotide variant.
Coding change: c.1970C>A on transcript NM_173728.4 (MANE Select); coding-DNA position 1970, C replaced by A.
Protein change: p.Pro657His; replaces proline 657 with histidine.
Molecular consequence: missense variant.
Genome position (GRCh38, 1-based): chr17:8,318,847, C>A. VCF-style: chr17-8318847-C-A. GRCh37 (hg19) VCF-style: chr17-8222165-C-A.
Other names: c.1970C>A, p.Pro657His (NM_025014.2); short protein forms P657H.
Identifiers: ClinVar variation 2120249 (VCV002120249.4), dbSNP rs2543948100, ClinGen allele CA398023737.